The following is an entry in ClinVar:

NM_015141.4(GPD1L):c.500C>T (p.Thr167Ile)

Gene: GPD1L (glycerol-3-phosphate dehydrogenase 1 like; plus strand). Cytogenetic location: 3p22.3.
Variant type: single nucleotide variant.
Coding change: c.500C>T on transcript NM_015141.4 (MANE Select); coding-DNA position 500, C replaced by T.
Protein change: p.Thr167Ile; replaces threonine 167 with isoleucine.
Molecular consequence: missense variant.
Genome position (GRCh38, 1-based): chr3:32,140,361, C>T. VCF-style: chr3-32140361-C-T. GRCh37 (hg19) VCF-style: chr3-32181853-C-T.
Other names: short protein forms T167I.
Identifiers: ClinVar variation 4745808 (VCV004745808.1).

ClinVar aggregate classification (germline): Uncertain significance (1 of 4 stars; one submission).

Conditions:
Brugada syndrome. Also called: Sudden Unexplained Death Syndrome; Sudden unexpected nocturnal death syndrome; Sudden Unexplained Nocturnal Death Syndrome (SUNDS); Sudden unexplained nocturnal death syndrome. Identifiers: Orphanet 130, MedGen C1142166, MONDO:0015263.

Submission:

Labcorp Genetics (formerly Invitae), Labcorp
Classification: Uncertain significance for Brugada syndrome. Last evaluated: 2026-01-06. Review status: criteria provided, single submitter. Criteria: Invitae Variant Classification Sherloc (09022015). Collection method: clinical testing. Allele origin: germline.
Comment: This sequence change replaces threonine, which is neutral and polar, with isoleucine, which is neutral and non-polar, at codon 167 of the GPD1L protein (p.Thr167Ile). This variant is not present in population databases (gnomAD no frequency). This variant has not been reported in the literature in individuals affected with GPD1L-related conditions. Invitae Evidence Modeling of protein sequence and biophysical properties (such as structural, functional, and spatial information, amino acid conservation, physicochemical variation, residue mobility, and thermodynamic stability) has been performed for this missense variant. However, the output from this modeling did not meet the statistical confidence thresholds required to predict the impact of this variant on GPD1L protein function. In summary, the available evidence is currently insufficient to determine the role of this variant in disease. Therefore, it has been classified as a Variant of Uncertain Significance.